The following is an entry in ClinVar:

NM_018398.3(CACNA2D3):c.2742C>T (p.Ser914=)

Gene: CACNA2D3 (calcium voltage-gated channel auxiliary subunit alpha2delta 3; plus strand). Cytogenetic location: 3p14.3.
Variant type: single nucleotide variant.
Coding change: c.2742C>T on transcript NM_018398.3 (MANE Select); coding-DNA position 2742, C replaced by T.
Protein change: p.Ser914=; no amino-acid change (serine 914 retained).
Molecular consequence: synonymous variant.
Genome position (GRCh38, 1-based): chr3:55,004,814, C>T. VCF-style: chr3-55004814-C-T. GRCh37 (hg19) VCF-style: chr3-55038841-C-T.
Identifiers: ClinVar variation 3041577 (VCV003041577.2), dbSNP rs79458991, ClinGen allele CA2458666.

ClinVar aggregate classification (germline): Likely benign (0 of 4 stars; one submission).

Conditions:
CACNA2D3-related disorder. Also called: CACNA2D3-related condition.

Allele frequency attached by ClinVar (database versions not stated): ExAC 0.00075; 1000 Genomes Project 0.00160; 1000 Genomes Project 30x 0.00172; gnomAD 0.00224; TOPMed 0.00267; ESP Exome Variant Server 0.00278.
gnomAD v4.1: 984 of 1,613,328 alleles (0.061%); highest among the groups gnomAD compares: African/African-American, 0.78%; 4 homozygotes.

Submission:

PreventionGenetics, part of Exact Sciences
Classification: Likely benign for CACNA2D3-related condition. Last evaluated: 2024-01-22. Review status: no assertion criteria provided. Collection method: clinical testing. Allele origin: germline.
Comment: This variant is classified as likely benign based on ACMG/AMP sequence variant interpretation guidelines (Richards et al. 2015 PMID: 25741868, with internal and published modifications).